The following is an entry in ClinVar:

ClinVar aggregate classification (germline): Uncertain significance (1 of 4 stars; one submission).

Submission:

GeneDx
Classification: Uncertain significance. Last evaluated: 2025-09-06. Review status: criteria provided, single submitter. Criteria: GeneDx Variant Classification Process June 2021. Collection method: clinical testing. Allele origin: germline.
Comment: Not observed at significant frequency in large population cohorts (gnomAD); In silico analysis supports that this missense variant has a deleterious effect on protein structure/function; Has not been previously published as pathogenic or benign to our knowledge

NM_001256627.2(BRSK2):c.1331C>G (p.Pro444Arg)

Gene: BRSK2 (BR serine/threonine kinase 2; plus strand). Cytogenetic location: 11p15.5.
Variant type: single nucleotide variant.
Coding change: c.1331C>G on transcript NM_001256627.2 (MANE Select); coding-DNA position 1331, C replaced by G.
Protein change: p.Pro444Arg; replaces proline 444 with arginine.
Molecular consequence: missense variant. On other transcripts: non-coding transcript variant (1).
Genome position (GRCh38, 1-based): chr11:1,450,630, C>G. VCF-style: chr11-1450630-C-G. GRCh37 (hg19) VCF-style: chr11-1471860-C-G.
Other names: c.1331C>G, p.Pro444Arg (NM_001256629.2, NM_003957.4); c.1469C>G, p.Pro490Arg (NM_001256630.1); c.1151C>G, p.Pro384Arg (NM_001282218.2); short protein forms P384R, P444R, P490R.
Identifiers: ClinVar variation 3362069 (VCV003362069.2).
Genomic context (GRCh38, chr11:1,450,630, plus strand): 5'-CTGTCCCCACCATACAGGTGACCCCTCACCCCTCACCAAGGGGCAGTCCCCTCCCCACCC[C>G]CAAGGGGACACCTGTCCACACGCCAAAGGAGAGCCCGGCTGGCACGCCCAACCCCACGCC-3'
Protein context (NP_001243556.1, residues 434-454): PSPRGSPLPT[Pro444Arg]KGTPVHTPKE